The following is an entry in ClinVar:

NM_004380.3(CREBBP):c.1043C>T (p.Pro348Leu)

Gene: CREBBP (CREB binding lysine acetyltransferase; minus strand). Cytogenetic location: 16p13.3.
Variant type: single nucleotide variant.
Coding change: c.1043C>T on transcript NM_004380.3 (MANE Select); coding-DNA position 1043, C replaced by T.
Protein change: p.Pro348Leu; replaces proline 348 with leucine.
Molecular consequence: missense variant.
Genome position (GRCh38, 1-based): chr16:3,793,559, G>A on the plus strand (C>T on the coding strand, the complement: CREBBP is on the minus strand). VCF-style: chr16-3793559-G-A. GRCh37 (hg19) VCF-style: chr16-3843560-G-A.
Other names: c.1043C>T, p.Pro348Leu (NM_001079846.1); short protein forms P348L.
Identifiers: ClinVar variation 1800570 (VCV001800570.6), dbSNP rs2053547866, ClinGen allele CA394563534.

ClinVar aggregate classification (germline): Uncertain significance. Review status: criteria provided, multiple submitters, no conflicts (2 of 4 stars). 3 submissions from 3 submitters: Uncertain significance (3). Last evaluated 2025-12-22.

Conditions:
Rubinstein-Taybi syndrome (RSTS). Identifiers: Orphanet 783, MedGen C0035934, MONDO:0019188.
Inborn genetic diseases. Identifiers: MedGen C0950123, MeSH D030342.

Allele frequency attached by ClinVar (database versions not stated): TOPMed below 0.00001.

Submissions (3):

Ambry Genetics
Classification: Uncertain significance for Inborn genetic diseases. Last evaluated: 2025-12-22. Review status: criteria provided, single submitter. Criteria: Ambry Variant Classification Scheme 2023. Collection method: clinical testing. Allele origin: germline.

Labcorp Genetics (formerly Invitae), Labcorp
Classification: Uncertain significance for Rubinstein-Taybi syndrome. Last evaluated: 2023-05-23. Review status: criteria provided, single submitter. Criteria: Invitae Variant Classification Sherloc (09022015). Collection method: clinical testing. Allele origin: germline.
Comment: In summary, the available evidence is currently insufficient to determine the role of this variant in disease. Therefore, it has been classified as a Variant of Uncertain Significance. Advanced modeling of protein sequence and biophysical properties (such as structural, functional, and spatial information, amino acid conservation, physicochemical variation, residue mobility, and thermodynamic stability) performed at Invitae indicates that this missense variant is expected to disrupt CREBBP protein function. ClinVar contains an entry for this variant (Variation ID: 1800570). This variant has not been reported in the literature in individuals affected with CREBBP-related conditions. This variant is not present in population databases (gnomAD no frequency). This sequence change replaces proline, which is neutral and non-polar, with leucine, which is neutral and non-polar, at codon 348 of the CREBBP protein (p.Pro348Leu).

GeneDx
Classification: Uncertain significance. Last evaluated: 2023-03-01. Review status: criteria provided, single submitter. Criteria: GeneDx Variant Classification Process June 2021. Collection method: clinical testing. Allele origin: germline.
Comment: Not observed at significant frequency in large population cohorts (gnomAD); In silico analysis supports that this missense variant has a deleterious effect on protein structure/function; Has not been previously published as pathogenic or benign to our knowledge